The following is an entry in ClinVar:

NM_021224.6(ZNF462):c.2979_2980delinsA (p.Val994fs)

Gene: ZNF462 (zinc finger protein 462; plus strand). Cytogenetic location: 9q31.2.
Variant type: Indel.
Coding change: c.2979_2980delinsA on transcript NM_021224.6 (MANE Select); coding-DNA positions 2979 to 2980, TG replaced by A.
Protein change: p.Val994fs; shifts the reading frame from valine 994.
Molecular consequence: frameshift variant.
Genome position (GRCh38, 1-based): chr9:106,926,891-106,926,892, TG replaced by A. VCF-style: chr9-106926891-TG-A. GRCh37 (hg19) VCF-style: chr9-109689172-TG-A.
Other names: c.2979_2980delinsA, p.Val994fs (NM_001347997.2); short protein forms V994fs.
Identifiers: ClinVar variation 402118 (VCV000402118.4), dbSNP rs1060499550, ClinGen allele CA16609493.
Genomic context (GRCh38, chr9:106,926,891, plus strand): 5'-ATCCCAGACCCTGAGGGAGATTCTGAATTCGGCTCCCAAGAACATGGCGACTTCCACACC[TG>A]TGGCTCGTGGTGGTGGTTTGCCAGCTACGTTCAACAAAAACACTCCTAAGACCTTTACTC-3'

ClinVar aggregate classification (germline): Pathogenic. Review status: criteria provided, single submitter (1 of 4 stars). 3 submissions from 3 submitters: Pathogenic (1). 2 of the submissions do not count toward it. Last evaluated 2018-07-13.

Conditions:
Weiss-Kruszka syndrome. Also called: Metopic ridging-ptosis-facial dysmorphism syndrome. Identifiers: Orphanet 502430, MedGen C5568107, MONDO:0032836, OMIM 618619.
Intellectual disability, autosomal dominant. Identifiers: MedGen CN240835, MONDO:0100172.
Craniosynostosis syndrome. Also called: Craniosynostosis. Identifiers: Orphanet 1531, MedGen C0010278, MeSH D003398, MONDO:0015469, HP:0001363.

Submissions (3):

GeneDx
Classification: Pathogenic. Last evaluated: 2018-07-13. Review status: criteria provided, single submitter. Criteria: GeneDx Variant Classification (06012015). Collection method: clinical testing. Allele origin: germline. Affected: yes.
Comment: The c.2979_2980delTGinsA variant in the ZNF462 gene has been published as a pathogenic variant associated with ZNF462-related disorders (Weiss et al., 2017). The c.2979_2980delTGinsA variant causes a frameshift starting with codon Valine 994, changes this amino acid to a Tryptophan residue, and creates a premature Stop codon at position 147 of the new reading frame, denoted p.V994WfsX147. This variant is predicted to cause loss of normal protein function either through protein truncation or nonsense-mediated mRNA decay. The c.2979_2980delTGinsA variant is not observed in large population cohorts (Lek et al., 2016). We interpret c.2979_2980delTGinsA as a pathogenic variant.

OMIM
Classification: Pathogenic for WEISS-KRUSZKA SYNDROME. Last evaluated: 2019-10-11. Review status: no assertion criteria provided. Collection method: literature only. Allele origin: germline. Not counted in ClinVar's aggregate classification.

Muenke lab, National Institutes of Health
Classification: Pathogenic for Craniosynostosis syndrome; Intellectual disability, autosomal dominant. Last evaluated: 2017-01-25. Review status: no assertion criteria provided. Collection method: research. Allele origin: de novo. Inheritance: Autosomal dominant inheritance. Affected: yes. Observed: 1 variant allele, 1 heterozygote. Not counted in ClinVar's aggregate classification.
Comment: Haploinsufficiency of ZNF462 was seen in 4 individuals with overlapping phenotypes

Literature cited by the submitters: PubMed 28513610 (cited by OMIM).